The following is an entry in ClinVar:

NM_005359.6(SMAD4):c.1387G>A (p.Ala463Thr)

Gene: SMAD4 (SMAD family member 4; plus strand). Cytogenetic location: 18q21.2.
Variant type: single nucleotide variant.
Coding change: c.1387G>A on transcript NM_005359.6 (MANE Select); coding-DNA position 1387, G replaced by A.
Protein change: p.Ala463Thr; replaces alanine 463 with threonine.
Molecular consequence: missense variant.
Genome position (GRCh38, 1-based): chr18:51,076,716, G>A. VCF-style: chr18-51076716-G-A. GRCh37 (hg19) VCF-style: chr18-48603086-G-A.
Other names: c.1387G>A, p.Ala463Thr (NM_001407041.1, NM_001407042.1); short protein forms A463T.
Identifiers: ClinVar variation 1771439 (VCV001771439.2), dbSNP rs2144474219, ClinGen allele CA402465273.

ClinVar aggregate classification (germline): Uncertain significance (1 of 4 stars; one submission).

Conditions:
Familial thoracic aortic aneurysm and aortic dissection (TAAD). Also called: Thoracic aortic aneurysms and dissections. Identifiers: Orphanet 91387, MedGen C4707243, MONDO:0019625.
Hereditary cancer-predisposing syndrome. Also called: Hereditary Cancer Syndrome; Hereditary neoplastic syndrome; Neoplastic Syndromes, Hereditary; Tumor predisposition. Identifiers: Orphanet 140162, MedGen C0027672, MeSH D009386, MONDO:0015356.

Submission:

Ambry Genetics
Classification: Uncertain significance for Hereditary cancer-predisposing syndrome; Familial thoracic aortic aneurysm and aortic dissection. Last evaluated: 2020-12-29. Review status: criteria provided, single submitter. Criteria: Ambry Variant Classification Scheme 2023. Collection method: clinical testing. Allele origin: germline.
Comment: The p.A463T variant (also known as c.1387G>A), located in coding exon 10 of the SMAD4 gene, results from a G to A substitution at nucleotide position 1387. The alanine at codon 463 is replaced by threonine, an amino acid with similar properties. This amino acid position is highly conserved in available vertebrate species. In addition, this alteration is predicted to be deleterious by in silico analysis. Since supporting evidence is limited at this time, the clinical significance of this alteration remains unclear.